The following is an entry in ClinVar:

NM_001144989.2(ZNF814):c.996G>A (p.Ser332=)

Gene: ZNF814 (zinc finger protein 814; minus strand). Cytogenetic location: 19q13.43.
Variant type: single nucleotide variant.
Coding change: c.996G>A on transcript NM_001144989.2 (MANE Select); coding-DNA position 996, G replaced by A.
Protein change: p.Ser332=; no amino-acid change (serine 332 retained).
Molecular consequence: synonymous variant.
Genome position (GRCh38, 1-based): chr19:57,874,394, C>T on the plus strand (G>A on the coding strand, the complement: ZNF814 is on the minus strand). VCF-style: chr19-57874394-C-T. GRCh37 (hg19) VCF-style: chr19-58385762-C-T.
Identifiers: ClinVar variation 3025435 (VCV003025435.22), dbSNP rs199732634, ClinGen allele CA9707482.

ClinVar aggregate classification (germline): Likely benign (1 of 4 stars; one submission).

Allele frequency attached by ClinVar (database versions not stated): gnomAD exomes 0.00028; gnomAD 0.00040.

Submission:

CeGaT Center for Human Genetics Tuebingen
Classification: Likely benign. Last evaluated: 2024-02-01. Review status: criteria provided, single submitter. Criteria: CeGaT Center For Human Genetics Tuebingen Variant Classification Criteria Version 2. Collection method: clinical testing. Allele origin: germline. Affected: yes. Observed: 1 variant allele.
Comment: ZNF814: BP4, BP7